The following is an entry in ClinVar:

ClinVar aggregate classification (germline): Uncertain significance (1 of 4 stars; one submission).

Submission:

Labcorp Genetics (formerly Invitae), Labcorp
Classification: Uncertain significance. Last evaluated: 2022-09-01. Review status: criteria provided, single submitter. Criteria: Invitae Variant Classification Sherloc (09022015). Collection method: clinical testing. Allele origin: germline.
Comment: This sequence change replaces alanine, which is neutral and non-polar, with proline, which is neutral and non-polar, at codon 163 of the KLHL7 protein (p.Ala163Pro). This variant is not present in population databases (gnomAD no frequency). In summary, the available evidence is currently insufficient to determine the role of this variant in disease. Therefore, it has been classified as a Variant of Uncertain Significance. Algorithms developed to predict the effect of missense changes on protein structure and function are either unavailable or do not agree on the potential impact of this missense change (SIFT: "Deleterious"; PolyPhen-2: "Possibly Damaging"; Align-GVGD: "Class C0"). ClinVar contains an entry for this variant (Variation ID: 1361445). This variant has not been reported in the literature in individuals affected with KLHL7-related conditions.

NM_001031710.3(KLHL7):c.487G>C (p.Ala163Pro)

Gene: KLHL7 (kelch like family member 7; plus strand). Cytogenetic location: 7p15.3.
Variant type: single nucleotide variant.
Coding change: c.487G>C on transcript NM_001031710.3 (MANE Select); coding-DNA position 487, G replaced by C.
Protein change: p.Ala163Pro; replaces alanine 163 with proline.
Molecular consequence: missense variant. On other transcripts: non-coding transcript variant (1).
Genome position (GRCh38, 1-based): chr7:23,140,813, G>C. VCF-style: chr7-23140813-G-C. GRCh37 (hg19) VCF-style: chr7-23180432-G-C.
Other names: c.343G>C, p.Ala115Pro (NM_018846.5); short protein forms A115P, A163P.
Identifiers: ClinVar variation 1361445 (VCV001361445.8), dbSNP rs2128464381, ClinGen allele CA366976043.